The following is an entry in ClinVar:

ClinVar aggregate classification (germline): Conflicting classifications of pathogenicity. Review status: criteria provided, conflicting classifications (1 of 4 stars). 3 submissions from 3 submitters: Uncertain significance (1); Likely benign (2). Last evaluated 2025-03-28.

Conditions:
COL4A2-related disorder. Also called: COL4A2-related disorders; COL4A2-related condition.

Allele frequency attached by ClinVar (database versions not stated): gnomAD 0.00003; TOPMed 0.00005.
gnomAD v4.1: 38 of 1,614,246 alleles (0.0024%); highest among the groups gnomAD compares: South Asian, 0.029%; 3 homozygotes.

Submissions (3):

PreventionGenetics, part of Exact Sciences
Classification: Uncertain significance for COL4A2-related condition. Last evaluated: 2025-03-28. Review status: criteria provided, single submitter. Criteria: ACMG Guidelines, 2015. Collection method: clinical testing. Allele origin: germline.
Comment: The COL4A2 c.1623C>T variant is not predicted to result in an amino acid change (p.=). Variant is predicted to modestly activate a cryptic splice acceptor site (Alamut Visual Plus v1.6.1). To our knowledge, this variant has not been reported in the literature. This variant is reported in 0.011% of alleles in individuals of East Asian descent in gnomAD. However, in gnomAD v4 (available only on GRCh38), this variant is reported in 0.028% of alleles in the South Asian subpopulation, including 3 homozygotes. This population data is not consistent with this variant being a primary cause of disease. Although we suspect this variant is benign, at this time, the clinical significance of this variant is uncertain due to the absence of conclusive functional and genetic evidence.

Blueprint Genetics
Classification: Likely benign. Last evaluated: 2022-10-24. Review status: criteria provided, single submitter. Criteria: ACMG Guidelines, 2015. Collection method: clinical testing. Allele origin: germline.

CeGaT Center for Human Genetics Tuebingen
Classification: Likely benign. Last evaluated: 2022-06-01. Review status: criteria provided, single submitter. Criteria: CeGaT Center For Human Genetics Tuebingen Variant Classification Criteria Version 2. Collection method: clinical testing. Allele origin: germline. Affected: yes. Observed: 1 variant allele.
Comment: COL4A2: BP4, BP7

NM_001846.4(COL4A2):c.1623C>T (p.Pro541=)

Genes: COL4A2 (collagen type IV alpha 2 chain; plus strand), COL4A2-AS2 (COL4A2 antisense RNA 2; minus strand). Cytogenetic location: 13q34.
Variant type: single nucleotide variant.
Coding change: c.1623C>T on transcript NM_001846.4 (MANE Select); coding-DNA position 1623, C replaced by T.
Protein change: p.Pro541=; no amino-acid change (proline 541 retained).
Molecular consequence: synonymous variant.
Genome position (GRCh38, 1-based): chr13:110,462,140, C>T. VCF-style: chr13-110462140-C-T. GRCh37 (hg19) VCF-style: chr13-111114487-C-T.
Identifiers: ClinVar variation 2634417 (VCV002634417.26), dbSNP rs567530451, ClinGen allele CA7049652.